The following is an entry in ClinVar:

NM_003239.5(TGFB3):c.352+124C>G

Gene: TGFB3 (transforming growth factor beta 3; minus strand). Cytogenetic location: 14q24.3.
Variant type: single nucleotide variant.
Coding change: c.352+124C>G on transcript NM_003239.5 (MANE Select); 124 bases into the intron after coding-DNA position 352, C replaced by G.
Molecular consequence: intron variant.
Genome position (GRCh38, 1-based): chr14:75,980,418, G>C on the plus strand (C>G on the coding strand, the complement: TGFB3 is on the minus strand). VCF-style: chr14-75980418-G-C. GRCh37 (hg19) VCF-style: chr14-76446761-G-C.
Other names: c.352+124C>G (NM_001329939.2, NM_001329938.2).
Identifiers: ClinVar variation 2500099 (VCV002500099.1), dbSNP rs977244423, ClinGen allele CA263711966.
Genomic context (GRCh38, chr14:75,980,418, plus strand): 5'-GCTCTATCTCCTTCCCCACCCACCTCCCCAGCCCCAACGGAGGAGCATCGCACATCCTGA[G>C]CCTTGGTGCTGGTGAATCCTGGGGCACCCTGCTGTGTGGCCAGCACTAGGCCCCCCTCTG-3'

ClinVar aggregate classification (germline): Uncertain significance (1 of 4 stars; one submission).

Conditions:
Rienhoff syndrome. Also called: LOEYS-DIETZ SYNDROME 5. Identifiers: MedGen C3810012, MONDO:0014262, OMIM 615582.
Arrhythmogenic right ventricular dysplasia 1. Identifiers: Orphanet 3403, MedGen C1862511, MONDO:0007152, OMIM 107970.

gnomAD v4.1: 54 of 1,006,206 alleles (0.0054%); highest among the groups gnomAD compares: Non-Finnish European, 0.008%; no homozygotes.

Submission:

Center for Genomics, Ann and Robert H. Lurie Children's Hospital of Chicago
Classification: Uncertain significance for Arrhythmogenic right ventricular dysplasia 1; Rienhoff syndrome. Last evaluated: 2022-12-15. Review status: criteria provided, single submitter. Criteria: ACMG Guidelines, 2015. Collection method: clinical testing. Allele origin: germline.
Comment: This variant has not been reported in the literature or in disease-specific databases, and is not present in gnomAD. This is a deep intronic variant with no predicted change in the amino acid sequence, but splice prediction tools suggest this variant may activate a cryptic splice site. However, further studies are needed to understand its impact. In summary, data on this variant is insufficient for disease classification. Therefore, the clinical significance of this variant is uncertain.